The following is an entry in ClinVar:

NM_004006.3(DMD):c.8909C>G (p.Ser2970Cys)

Gene: DMD (dystrophin; minus strand). Cytogenetic location: Xp21.2.
Variant type: single nucleotide variant.
Coding change: c.8909C>G on transcript NM_004006.3 (MANE Select); coding-DNA position 8909, C replaced by G.
Protein change: p.Ser2970Cys; replaces serine 2970 with cysteine.
Molecular consequence: missense variant.
Genome position (GRCh38, 1-based): chrX:31,478,134, G>C on the plus strand (C>G on the coding strand, the complement: DMD is on the minus strand). VCF-style: chrX-31478134-G-C. GRCh37 (hg19) VCF-style: chrX-31496251-G-C.
Other names: c.8885C>G, p.Ser2962Cys (NM_000109.4); c.8897C>G, p.Ser2966Cys (NM_004009.3); c.8540C>G, p.Ser2847Cys (NM_004010.3); c.4886C>G, p.Ser1629Cys (NM_004011.4); c.4877C>G, p.Ser1626Cys (NM_004012.4); c.1529C>G, p.Ser510Cys (NM_004013.3, NM_004020.4, NM_004021.3 and 2 more transcripts); c.722C>G, p.Ser241Cys (NM_004014.3); short protein forms S1629C, S241C, S2847C, S2962C, S2966C, S2970C, S1626C, S510C.
Identifiers: ClinVar variation 1987341 (VCV001987341.2), dbSNP rs2525292108, ClinGen allele CA412653897.

ClinVar aggregate classification (germline): Uncertain significance. Review status: criteria provided, multiple submitters, no conflicts (2 of 4 stars). 2 submissions from 2 submitters: Uncertain significance (2). Last evaluated 2024-05-30.

Conditions:
Duchenne muscular dystrophy (DMD). Also called: MUSCULAR DYSTROPHY, PSEUDOHYPERTROPHIC PROGRESSIVE, DUCHENNE TYPE; Duchenne Muscular Dystrophy (DMD). Identifiers: Orphanet 98896, MedGen C0013264, MONDO:0010679, OMIM 310200.

gnomAD v4.1: 2 of 1,210,833 alleles (0.00017%); highest among the groups gnomAD compares: Non-Finnish European, 0.00011%; no homozygotes.

Submissions (2):

GeneDx
Classification: Uncertain significance. Last evaluated: 2024-05-30. Review status: criteria provided, single submitter. Criteria: GeneDx Variant Classification Process June 2021. Collection method: clinical testing. Allele origin: germline. Affected: yes.
Comment: Not observed at significant frequency in large population cohorts (gnomAD); In silico analysis supports that this missense variant has a deleterious effect on protein structure/function; Missense variant in a gene in which most reported pathogenic variants are truncating/loss of function; Has not been previously published as pathogenic or benign to our knowledge

Labcorp Genetics (formerly Invitae), Labcorp
Classification: Uncertain significance for Duchenne muscular dystrophy. Last evaluated: 2022-06-19. Review status: criteria provided, single submitter. Criteria: Invitae Variant Classification Sherloc (09022015). Collection method: clinical testing. Allele origin: germline.
Comment: This sequence change replaces serine, which is neutral and polar, with cysteine, which is neutral and slightly polar, at codon 2970 of the DMD protein (p.Ser2970Cys). This variant is not present in population databases (gnomAD no frequency). This variant has not been reported in the literature in individuals affected with DMD-related conditions. Algorithms developed to predict the effect of missense changes on protein structure and function are either unavailable or do not agree on the potential impact of this missense change (SIFT: "Deleterious"; PolyPhen-2: "Possibly Damaging"; Align-GVGD: "Class C15"). In summary, the available evidence is currently insufficient to determine the role of this variant in disease. Therefore, it has been classified as a Variant of Uncertain Significance.